The following is an entry in ClinVar:

NM_003002.4(SDHD):c.242del (p.Pro81fs)

Gene: SDHD (succinate dehydrogenase complex subunit D; plus strand). Cytogenetic location: 11q23.1.
Variant type: Deletion.
Coding change: c.242del on transcript NM_003002.4 (MANE Select); coding-DNA position 242, one base deleted (C; older notation c.242delC).
Protein change: p.Pro81fs; shifts the reading frame from proline 81.
Molecular consequence: frameshift variant. On other transcripts: non-coding transcript variant (1), intron variant (1).
Genome position (GRCh38, 1-based): chr11:112,088,939, C deleted; the last of 2 consecutive C bases (chr11:112,088,938-112,088,939); deleting either gives the same sequence. VCF-style (leftmost placement, unchanged base first): chr11-112088937-TC-T. GRCh37 (hg19) VCF-style: chr11-111959661-TC-T.
Other names: c.242delC (NM_003002.2); c.125del, p.Pro42fs (NM_001276504.2); c.242del, p.Pro81fs (NM_001276506.2); c.169+966del (NM_001276503.2); c.242del (NM_003002.2); short protein forms P81fs, P42fs.
Identifiers: ClinVar variation 239464 (VCV000239464.14), dbSNP rs878854591, ClinGen allele CA10582870.

ClinVar aggregate classification (germline): Pathogenic. Review status: criteria provided, multiple submitters, no conflicts (2 of 4 stars). 6 submissions from 5 submitters: Pathogenic (6). Last evaluated 2026-07-06.

Conditions:
Pheochromocytoma. Also called: MAX-Related Hereditary Paraganglioma-Pheochromocytoma Syndrome. Identifiers: Orphanet 29072, MedGen C0031511, MONDO:0008233, OMIM 171300, HP:0002666.
Pheochromocytoma/paraganglioma syndrome 1. Also called: SDHD-Related Hereditary Paraganglioma-Pheochromocytoma Syndrome; PARAGANGLIOMATA; PARAGANGLIOMAS, FAMILIAL NONCHROMAFFIN, 1; PGL 1; Paragangliomas familial 1; Paragangliomas 1. Identifiers: Orphanet 29072, MedGen C3494181, MONDO:0008192, OMIM 168000.
Carney-Stratakis syndrome. Also called: PARAGANGLIOMA AND GASTROINTESTINAL STROMAL TUMOR. Identifiers: Orphanet 97286, MedGen C1847319, MONDO:0011740, OMIM 606864.
Cowden syndrome 3 (CWS3). Identifiers: Orphanet 201, MedGen CN166604, MONDO:0014045.
Paragangliomas with sensorineural hearing loss. Identifiers: MedGen C1868633.
Hereditary cancer-predisposing syndrome. Also called: Hereditary Cancer Syndrome; Tumor predisposition; Hereditary neoplastic syndrome; Neoplastic Syndromes, Hereditary. Identifiers: Orphanet 140162, MedGen C0027672, MeSH D009386, MONDO:0015356.
Hereditary pheochromocytoma and paraganglioma. Also called: Hereditary pheochromocytoma-paraganglioma; Hereditary Paraganglioma-Pheochromocytoma Syndromes; Hereditary paragangliomas and pheochromocytomas. Identifiers: Orphanet 29072, MedGen C4274332, MONDO:0017366.

Submissions (6):

Myriad Genetics, Inc.
Classification: Pathogenic for Hereditary pheochromocytoma and paraganglioma. Last evaluated: 2026-07-06. Review status: criteria provided, single submitter. Criteria: Myriad Autosomal Dominant, Autosomal Recessive and X-Linked Classification Criteria (2023). Collection method: clinical testing. Allele origin: unknown.
Comment: This variant is considered pathogenic. This variant creates a frameshift predicted to result in premature protein truncation.

Ambry Genetics
Classification: Pathogenic for Hereditary cancer-predisposing syndrome. Last evaluated: 2025-01-30. Review status: criteria provided, single submitter. Criteria: Ambry Variant Classification Scheme 2023. Collection method: clinical testing. Allele origin: germline.
Comment: The c.242delC pathogenic mutation, located in coding exon 3 of the SDHD gene, results from a deletion of one nucleotide at nucleotide position 242, causing a translational frameshift with a predicted alternate stop codon (p.P81Rfs*5). This variant was reported in individual(s) with features consistent with SDHD-related paraganglioma-pheochromocytoma syndrome (Burnichon N et al. J Clin Endocrinol Metab, 2009 Aug;94:2817-27; Chew WHW et al. Mol Genet Genomic Med, 2017 Sep;5:602-607; Andrews KA et al. J Med Genet, 2018 Jun;55:384-394). This variant is considered to be rare based on population cohorts in the Genome Aggregation Database (gnomAD). In addition to the clinical data presented in the literature, this alteration is expected to result in loss of function by premature protein truncation or nonsense-mediated mRNA decay. As such, this alteration is interpreted as a disease-causing mutation.

GeneDx
Classification: Pathogenic. Last evaluated: 2024-12-18. Review status: criteria provided, single submitter. Criteria: GeneDx Variant Classification Process June 2021. Collection method: clinical testing. Allele origin: germline. Affected: yes.
Comment: Frameshift variant predicted to result in protein truncation or nonsense mediated decay in a gene for which loss of function is a known mechanism of disease; Not observed at significant frequency in large population cohorts (gnomAD); This variant is associated with the following publications: (PMID: 29386252, 19454582, 28944243)

Labcorp Genetics (formerly Invitae), Labcorp
Classification: Pathogenic for Carney-Stratakis syndrome; Paragangliomas with sensorineural hearing loss; Pheochromocytoma; Cowden syndrome 3. Last evaluated: 2024-09-22. Review status: criteria provided, single submitter. Criteria: Invitae Variant Classification Sherloc (09022015). Collection method: clinical testing. Allele origin: germline.
Comment: This sequence change creates a premature translational stop signal (p.Pro81Argfs*5) in the SDHD gene. It is expected to result in an absent or disrupted protein product. Loss-of-function variants in SDHD are known to be pathogenic (PMID: 19454582, 19802898). This variant is not present in population databases (gnomAD no frequency). This premature translational stop signal has been observed in individual(s) with paraganglioma (PMID: 19454582). This variant is also known as c.242del*. ClinVar contains an entry for this variant (Variation ID: 239464). For these reasons, this variant has been classified as Pathogenic.

Sema4
Classification: Pathogenic for Hereditary cancer-predisposing syndrome. Last evaluated: 2020-10-09. Review status: criteria provided, single submitter. Criteria: Sema4 Curation Guidelines. Collection method: curation. Allele origin: germline.
Comment: The SDHD c.242delC (p.P81RfsX5) variant has been reported in one individual with paraganglioma (PMID: 19454582). It causes a frameshift at amino acid 81 that results in premature termination 5 amino acids downstream. At this location, this is predicted to cause nonsense-mediated decay and result in an absent protein (loss of function). Loss of function variants in SDHD are known to be pathogenic (PMID:19454582). It was not observed in the large and broad cohorts of the Genome Aggregation Database (PMID: 32461654), but has been reported in ClinVar (Variation ID 239464). Based on the current evidence available, this variant is interpreted as pathogenic.

Labcorp Genetics (formerly Invitae), Labcorp
Classification: Pathogenic for Carney-Stratakis syndrome; Paragangliomas with sensorineural hearing loss; Pheochromocytoma. Last evaluated: 2016-03-17. Review status: criteria provided, single submitter. Criteria: Invitae Variant Classification Sherloc (09022015). Collection method: clinical testing. Allele origin: germline.
Comment: This sequence change deletes 1 nucleotide from exon 3 of the SDHD mRNA (c.242delC), causing a frameshift at codon 81. This creates a premature translational stop signal (p.Pro81Argfs*5) and is expected to result in an absent or disrupted protein product. Truncating variants in SDHD are known to be pathogenic. This particular truncation has been reported in the literature in a patient affected with paraganglioma (PMID: 19454582). This variant is also referred to as c.242del* in the literature. For these reasons, this variant has been classified as Pathogenic.

Literature cited by the submitters: PubMed 19454582 (cited by 3 submitters); PubMed 28944243 (cited by Ambry Genetics); PubMed 29386252 (cited by Ambry Genetics); PubMed 19802898 (cited by Labcorp Genetics (formerly Invitae), Labcorp).